The following is an entry in ClinVar:

ClinVar aggregate classification (germline): Benign. Review status: criteria provided, multiple submitters, no conflicts (2 of 4 stars). 2 submissions from 2 submitters: Benign (2). Last evaluated 2018-06-19.

Allele frequency attached by ClinVar (database versions not stated): TOPMed 0.08119; ESP Exome Variant Server 0.08580; 1000 Genomes Project 30x 0.08604; 1000 Genomes Project 0.08926; gnomAD 0.09399 and 0.09595; gnomAD exomes 0.12054 and 0.12898; ExAC 0.13406.
gnomAD v4.1: 180,025 of 1,442,084 alleles (12%); highest among the groups gnomAD compares: South Asian, 17%; 12,203 homozygotes.

Submissions (2):

GeneDx
Classification: Benign. Last evaluated: 2018-06-19. Review status: criteria provided, single submitter. Criteria: GeneDx Variant Classification (06012015). Collection method: clinical testing. Allele origin: germline. Affected: yes.
Comment: This variant is considered likely benign or benign based on one or more of the following criteria: it is a conservative change, it occurs at a poorly conserved position in the protein, it is predicted to be benign by multiple in silico algorithms, and/or has population frequency not consistent with disease.

Breakthrough Genomics
Classification: Benign. Review status: criteria provided, single submitter. Criteria: ACMG Guidelines, 2015. Collection method: not provided. Allele origin: germline. Inheritance: Autosomal recessive inheritance. Affected: yes.

NM_000089.4(COL1A2):c.3105+43G>A

Gene: COL1A2 (collagen type I alpha 2 chain; plus strand). Cytogenetic location: 7q21.3.
Variant type: single nucleotide variant.
Coding change: c.3105+43G>A on transcript NM_000089.4 (MANE Select); 43 bases into the intron after coding-DNA position 3105, G replaced by A.
Molecular consequence: intron variant.
Genome position (GRCh38, 1-based): chr7:94,426,573, G>A. VCF-style: chr7-94426573-G-A. GRCh37 (hg19) VCF-style: chr7-94055885-G-A.
Identifiers: ClinVar variation 675066 (VCV000675066.2), dbSNP rs62464631, ClinGen allele CA4347662.